The following is an entry in ClinVar:

NM_001029.5(RPS26):c.-9G>A

Gene: RPS26 (ribosomal protein S26; plus strand). Cytogenetic location: 12q13.2.
Variant type: single nucleotide variant.
Coding change: c.-9G>A on transcript NM_001029.5 (MANE Select); 9 bases upstream of the start codon, G replaced by A.
Molecular consequence: 5 prime UTR variant.
Genome position (GRCh38, 1-based): chr12:56,042,158, G>A. VCF-style: chr12-56042158-G-A. GRCh37 (hg19) VCF-style: chr12-56435942-G-A.
Identifiers: ClinVar variation 3032213 (VCV003032213.2), dbSNP rs372708429, ClinGen allele CA6621642.
Genomic context (GRCh38, chr12:56,042,158, plus strand): 5'-TAGGGATCTCATGCTATATAGGAGGGCCCTGCCAGGCACCGTCTCCTCTCTCCGGTCCGT[G>A]CCTCCAAGATGGTGAGTCTTCTTGCGTGGTGAGGGTGGGGGTTCGGGTGCAGACTCTGGG-3'

ClinVar aggregate classification (germline): Likely benign (0 of 4 stars; one submission).

Conditions:
RPS26-related disorder. Also called: RPS26-related condition.

Allele frequency attached by ClinVar (database versions not stated): 1000 Genomes Project 30x 0.00031; 1000 Genomes Project 0.00040.
gnomAD v4.1: 118 of 1,614,136 alleles (0.0073%); highest among the groups gnomAD compares: South Asian, 0.12%; no homozygotes.

Submission:

PreventionGenetics, part of Exact Sciences
Classification: Likely benign for RPS26-related condition. Last evaluated: 2023-10-04. Review status: no assertion criteria provided. Collection method: clinical testing. Allele origin: germline.
Comment: This variant is classified as likely benign based on ACMG/AMP sequence variant interpretation guidelines (Richards et al. 2015 PMID: 25741868, with internal and published modifications).